The following is an entry in ClinVar:

ClinVar aggregate classification (germline): Uncertain significance (1 of 4 stars; one submission).

gnomAD v4.1: 1 of 1,569,962 alleles (0.000064%); no homozygotes.

Submission:

Ambry Genetics
Classification: Uncertain significance. Last evaluated: 2024-11-21. Review status: criteria provided, single submitter. Criteria: Ambry Variant Classification Scheme 2023. Collection method: clinical testing. Allele origin: germline.
Comment: The p.P987S variant (also known as c.2959C>T), located in coding exon 11 of the WNK2 gene, results from a C to T substitution at nucleotide position 2959. The proline at codon 987 is replaced by serine, an amino acid with similar properties. This amino acid position is conserved. In addition, this alteration is predicted to be tolerated by in silico analysis. Based on the available evidence, the clinical significance of this variant remains unclear.

NM_006648.4(WNK2):c.2959C>T (p.Pro987Ser)

Gene: WNK2 (WNK lysine deficient protein kinase 2; plus strand). Cytogenetic location: 9q22.31.
Variant type: single nucleotide variant.
Coding change: c.2959C>T on transcript NM_006648.4 (MANE Select); coding-DNA position 2959, C replaced by T.
Protein change: p.Pro987Ser; replaces proline 987 with serine.
Molecular consequence: missense variant.
Genome position (GRCh38, 1-based): chr9:93,259,507, C>T. VCF-style: chr9-93259507-C-T. GRCh37 (hg19) VCF-style: chr9-96021789-C-T.
Other names: c.2959C>T, p.Pro987Ser (NM_001282394.3); short protein forms P987S.
Identifiers: ClinVar variation 3470244 (VCV003470244.1).
Genomic context (GRCh38, chr9:93,259,507, plus strand): 5'-GTGTTGCCCCCGCAACCCACACGGCCCCCTCAACCTGTGCTGCCCCCGCAACCCATGCTG[C>T]CCCCACAACCTGTGCTGCCCCCGCAGCCGGCACTGCCTGTGCGCCCTGAGCCCCTCCAGC-3'
Protein context (NP_006639.3, residues 977-997): QPVLPPQPML[Pro987Ser]PQPVLPPQPA